The following is an entry in ClinVar:

NC_000014.8:g.(?_50154834)_(50154921_?)dup

Gene: POLE2 (DNA polymerase epsilon 2, accessory subunit; minus strand). Cytogenetic location: 14q21.3.
Variant type: Duplication.
Identifiers: ClinVar variation 1374196 (VCV001374196.5).

ClinVar aggregate classification (germline): Uncertain significance (1 of 4 stars; one submission).

Submission:

Labcorp Genetics (formerly Invitae), Labcorp
Classification: Uncertain significance. Last evaluated: 2023-09-05. Review status: criteria provided, single submitter. Criteria: Invitae Variant Classification Sherloc (09022015). Collection method: clinical testing. Allele origin: germline.
Comment: In summary, the available evidence is currently insufficient to determine the role of this variant in disease. Therefore, it has been classified as a Variant of Uncertain Significance. This variant results in a copy number gain of the genomic region encompassing exon(s) 1 of the POLE2 gene. This region includes the initiator codon of the gene. This copy number gain extends beyond the assayed region for this gene and therefore may encompass additional genes. As the precise location of this event is unknown, it may be in tandem or it may be located elsewhere in the genome. This variant has not been reported in the literature in individuals affected with POLE2-related conditions. Experimental studies and prediction algorithms are not available or were not evaluated, and the functional significance of this variant is currently unknown.